The following is an entry in ClinVar:

NM_004006.3(DMD):c.464A>G (p.Asn155Ser)

Gene: DMD (dystrophin; minus strand). Cytogenetic location: Xp21.1.
Variant type: single nucleotide variant.
Coding change: c.464A>G on transcript NM_004006.3 (MANE Select); coding-DNA position 464, A replaced by G.
Protein change: p.Asn155Ser; replaces asparagine 155 with serine.
Molecular consequence: missense variant.
Genome position (GRCh38, 1-based): chrX:32,816,534, T>C on the plus strand (A>G on the coding strand, the complement: DMD is on the minus strand). VCF-style: chrX-32816534-T-C. GRCh37 (hg19) VCF-style: chrX-32834651-T-C.
Other names: c.440A>G, p.Asn147Ser (NM_000109.4); c.452A>G, p.Asn151Ser (NM_004009.3); c.95A>G, p.Asn32Ser (NM_004010.3); short protein forms N147S, N151S, N155S, N32S.
Identifiers: ClinVar variation 1339034 (VCV001339034.10), dbSNP rs2148806581, ClinGen allele CA412674163.

ClinVar aggregate classification (germline): Uncertain significance. Review status: criteria provided, multiple submitters, no conflicts (2 of 4 stars). 4 submissions from 4 submitters: Uncertain significance (4). Last evaluated 2025-02-16.

Conditions:
Duchenne muscular dystrophy (DMD). Also called: MUSCULAR DYSTROPHY, PSEUDOHYPERTROPHIC PROGRESSIVE, DUCHENNE TYPE; Duchenne Muscular Dystrophy (DMD). Identifiers: Orphanet 98896, MedGen C0013264, MONDO:0010679, OMIM 310200.

Submissions (4):

Laboratory of Genetics, Children's Clinical University Hospital Latvia
Classification: Uncertain significance. Last evaluated: 2025-02-16. Review status: criteria provided, single submitter. Criteria: ACMG Guidelines, 2015. Collection method: clinical testing. Allele origin: germline. Affected: yes.

Mendelics
Classification: Uncertain significance. Last evaluated: 2022-05-04. Review status: criteria provided, single submitter. Criteria: Mendelics Assertion Criteria 2019. Collection method: clinical testing. Allele origin: germline.

Labcorp Genetics (formerly Invitae), Labcorp
Classification: Uncertain significance for Duchenne muscular dystrophy. Last evaluated: 2021-09-25. Review status: criteria provided, single submitter. Criteria: Invitae Variant Classification Sherloc (09022015). Collection method: clinical testing. Allele origin: germline.
Comment: This sequence change replaces asparagine with serine at codon 155 of the DMD protein (p.Asn155Ser). The asparagine residue is highly conserved and there is a small physicochemical difference between asparagine and serine. In summary, the available evidence is currently insufficient to determine the role of this variant in disease. Therefore, it has been classified as a Variant of Uncertain Significance. Algorithms developed to predict the effect of sequence changes on RNA splicing suggest that this variant may create or strengthen a splice site. Algorithms developed to predict the effect of missense changes on protein structure and function are either unavailable or do not agree on the potential impact of this missense change (SIFT: "Tolerated"; PolyPhen-2: "Possibly Damaging"; Align-GVGD: "Class C0"). This variant has not been reported in the literature in individuals affected with DMD-related conditions. This variant is not present in population databases (ExAC no frequency).

Neuberg Centre For Genomic Medicine, NCGM
Classification: Uncertain significance for Duchenne muscular dystrophy. Review status: criteria provided, single submitter. Criteria: ACMG Guidelines, 2015. Collection method: clinical testing. Allele origin: germline. Affected: yes.
Comment: The missense variant p.N155S in DMD (NM_004006.3) has not been reported previously as a pathogenic variant nor as a benign variant, to our knowledge. The p.N155S variant is novel (not in any individuals) in gnomAD Exomes and is novel (not in any individuals) in 1000 Genomes. In silico tools are contradictory in their predictions ( SIFT-Damaging, Polyphen-2-Tolerated) and the residue is conserved across species. For these reasons, this variant has been classified as Uncertain Significance.